The following is an entry in ClinVar:

ClinVar aggregate classification (germline): Benign. Review status: criteria provided, multiple submitters, no conflicts (2 of 4 stars). 15 submissions from 14 submitters: Benign (10). 5 of the submissions do not count toward it. Last evaluated 2026-02-04.

Conditions:
Hypoprebetalipoproteinemia, acanthocytosis, retinitis pigmentosa, and pallidal degeneration. Identifiers: MedGen C1846582, MONDO:0011798.
Pigmentary pallidal degeneration (NBIA1). Also called: PKAN NEUROAXONAL DYSTROPHY, JUVENILE-ONSET; Neuroaxonal dystrophy, late infantile; Hallervorden-Spatz disease; Neurodegeneration with brain iron accumulation 1; Pantothenate Kinase-Associated Neurodegeneration; HARP SYNDROME. Identifiers: Orphanet 157850, MedGen C0018523, MONDO:0009319, OMIM 234200.

Allele frequency attached by ClinVar (database versions not stated): 1000 Genomes Project 0.87919; 1000 Genomes Project 30x 0.88460; TOPMed 0.91103; ESP Exome Variant Server 0.93669.
gnomAD v4.1: 1,328,483 of 1,523,714 alleles (87%); highest among the groups gnomAD compares: African/African-American, 98%; 580,652 homozygotes.

Submissions (15):

Labcorp Genetics (formerly Invitae), Labcorp
Classification: Benign for Pigmentary pallidal degeneration. Last evaluated: 2026-02-04. Review status: criteria provided, single submitter. Criteria: Invitae Variant Classification Sherloc (09022015). Collection method: clinical testing. Allele origin: germline.

Blueprint Genetics
Classification: Benign. Last evaluated: 2024-11-28. Review status: criteria provided, single submitter. Criteria: ACMG Guidelines, 2015. Collection method: clinical testing. Allele origin: germline.

Unidad de Genómica Garrahan, Hospital de Pediatría Garrahan
Classification: Benign. Last evaluated: 2024-07-31. Review status: criteria provided, single submitter. Criteria: ACMG Guidelines, 2015. Collection method: clinical testing. Allele origin: germline. Affected: no. Observed: 92 variant alleles.
Comment: This variant is classified as Benign based on local population frequency. This variant was detected in 99% of patients studied in a panel designed for Epileptic and Developmental Encephalopathy, Progressive Myoclonus Epilepsy and Abnormal Movements and Neurodegeneration with brain iron accumulation. Number of patients: 92. Only high quality variants are reported.

Genome-Nilou Lab
Classification: Benign for Pigmentary pallidal degeneration. Last evaluated: 2021-09-05. Review status: criteria provided, single submitter. Criteria: ACMG Guidelines, 2015. Collection method: clinical testing. Allele origin: germline. Affected: no.

Genome-Nilou Lab
Classification: Benign for Pigmentary pallidal degeneration. Last evaluated: 2021-09-05. Review status: criteria provided, single submitter. Criteria: ACMG Guidelines, 2015. Collection method: clinical testing. Allele origin: germline. Affected: no.

GeneDx
Classification: Benign. Last evaluated: 2018-07-05. Review status: criteria provided, single submitter. Criteria: GeneDx Variant Classification Process June 2021. Collection method: clinical testing. Allele origin: germline. Affected: yes.

Athena Diagnostics
Classification: Benign. Last evaluated: 2018-05-06. Review status: criteria provided, single submitter. Criteria: Athena Diagnostics Criteria. Collection method: clinical testing. Allele origin: germline.

Illumina Laboratory Services, Illumina
Classification: Benign for Pigmentary pallidal degeneration. Last evaluated: 2018-01-12. Review status: criteria provided, single submitter. Criteria: ICSL Variant Classification Criteria 13 December 2019. Collection method: clinical testing. Allele origin: germline.
Comment: This variant was observed in the ICSL laboratory as part of a predisposition screen in an ostensibly healthy population. It had not been previously curated by ICSL or reported in the Human Gene Mutation Database (HGMD: prior to June 1st, 2018), and was therefore a candidate for classification through an automated scoring system. Utilizing variant allele frequency, disease prevalence and penetrance estimates, and inheritance mode, an automated score was calculated to assess if this variant is too frequent to cause the disease. Based on the score and internal cut-off values, a variant classified as benign is not then subjected to further curation. The score for this variant resulted in a classification of benign for this disease.

Eurofins Ntd Llc (ga)
Classification: Benign. Last evaluated: 2013-07-30. Review status: criteria provided, single submitter. Criteria: EGL Classification Definitions 2015. Collection method: clinical testing. Allele origin: germline. Observed: 16 variant alleles, 2 heterozygotes, 14 homozygotes.

Breakthrough Genomics
Classification: Benign. Review status: criteria provided, single submitter. Criteria: ACMG Guidelines, 2015. Collection method: not provided. Allele origin: germline. Inheritance: Autosomal recessive inheritance. Affected: yes.

Mayo Clinic Laboratories, Mayo Clinic
Classification: Benign. Last evaluated: 2016-02-19. Review status: no assertion criteria provided. Collection method: clinical testing. Allele origin: unknown. Not counted in ClinVar's aggregate classification.

Clinical Genetics DNA and cytogenetics Diagnostics Lab, Erasmus MC, Erasmus Medical Center
Classification: Benign. Review status: no assertion criteria provided. Collection method: clinical testing. Allele origin: germline. Affected: yes. Study: VKGL Data-share Consensus. Not counted in ClinVar's aggregate classification.

Diagnostic Laboratory, Department of Genetics, University Medical Center Groningen
Classification: Benign. Review status: no assertion criteria provided. Collection method: clinical testing. Allele origin: germline. Affected: yes. Study: VKGL Data-share Consensus. Not counted in ClinVar's aggregate classification.

Genome Diagnostics Laboratory, Amsterdam University Medical Center
Classification: Benign. Review status: no assertion criteria provided. Collection method: clinical testing. Allele origin: germline. Affected: yes. Study: VKGL Data-share Consensus. Not counted in ClinVar's aggregate classification.

Joint Genome Diagnostic Labs from Nijmegen and Maastricht, Radboudumc and MUMC+
Classification: Benign. Review status: no assertion criteria provided. Collection method: clinical testing. Allele origin: germline. Affected: yes. Study: VKGL Data-share Consensus. Not counted in ClinVar's aggregate classification.

NM_001386393.1(PANK2):c.47G>C (p.Gly16Ala)

Genes: PANK2 (pantothenate kinase 2; plus strand), LOC130065345 (ATAC-STARR-seq lymphoblastoid silent region 12635; plus strand). Cytogenetic location: 20p13.
Variant type: single nucleotide variant.
Coding change: c.47G>C on transcript NM_001386393.1 (MANE Select); coding-DNA position 47, G replaced by C.
Protein change: p.Gly16Ala; replaces glycine 16 with alanine.
Molecular consequence: missense variant. On other transcripts: 5 prime UTR variant (1), non-coding transcript variant (1), intron variant (1).
Genome position (GRCh38, 1-based): chr20:3,889,477, G>C. VCF-style: chr20-3889477-G-C. GRCh37 (hg19) VCF-style: chr20-3870124-G-C.
Other names: c.-665G>C (NM_001324191.2); c.377G>C, p.Gly126Ala (NM_001324192.1, NM_153638.4); c.-246+573G>C (NM_024960.6); short protein forms G126A, G16A.
Identifiers: ClinVar variation 96526 (VCV000096526.34), dbSNP rs3737084, ClinGen allele CA149584.